The following is an entry in ClinVar:

NM_005732.4(RAD50):c.3614A>G (p.Gln1205Arg)

Genes: TH2-LCR (Th2 cytokine locus control region; plus strand), TH2LCRR (T helper type 2 locus control region associated RNA; minus strand), RAD50 (RAD50 double strand break repair protein; plus strand). Cytogenetic location: 5q31.1.
Variant type: single nucleotide variant.
Coding change: c.3614A>G on transcript NM_005732.4 (MANE Select); coding-DNA position 3614, A replaced by G.
Protein change: p.Gln1205Arg; replaces glutamine 1205 with arginine.
Molecular consequence: missense variant. On other transcripts: non-coding transcript variant (3).
Genome position (GRCh38, 1-based): chr5:132,638,219, A>G. VCF-style: chr5-132638219-A-G. GRCh37 (hg19) VCF-style: chr5-131973911-A-G.
Other names: short protein forms Q1205R.
Identifiers: ClinVar variation 661235 (VCV000661235.10), dbSNP rs987847849, ClinGen allele CA127235343.

ClinVar aggregate classification (germline): Uncertain significance. Review status: criteria provided, multiple submitters, no conflicts (2 of 4 stars). 2 submissions from 2 submitters: Uncertain significance (2). Last evaluated 2024-11-25.

Conditions:
Hereditary cancer-predisposing syndrome. Also called: Neoplastic Syndromes, Hereditary; Tumor predisposition; Hereditary neoplastic syndrome; Hereditary Cancer Syndrome. Identifiers: Orphanet 140162, MedGen C0027672, MeSH D009386, MONDO:0015356.

Allele frequency attached by ClinVar (database versions not stated): TOPMed 0.00001.

Submissions (2):

Quest Diagnostics Nichols Institute San Juan Capistrano
Classification: Uncertain significance. Last evaluated: 2024-11-25. Review status: criteria provided, single submitter. Criteria: Quest Diagnostics criteria. Collection method: clinical testing. Allele origin: unknown.
Comment: The RAD50 c.3614A>G (p.Gln1205Arg) variant has not been reported in individuals with RAD50-related conditions in the published literature. It also has not been reported in large, multi-ethnic general populations (Genome Aggregation Database). Analysis of this variant using bioinformatics tools for the prediction of the effect of amino acid changes on protein structure and function yielded conflicting predictions that this variant is benign or damaging. Based on the available information, we are unable to determine the clinical significance of this variant.

Labcorp Genetics (formerly Invitae), Labcorp
Classification: Uncertain significance for Hereditary cancer-predisposing syndrome. Last evaluated: 2022-11-18. Review status: criteria provided, single submitter. Criteria: Invitae Variant Classification Sherloc (09022015). Collection method: clinical testing. Allele origin: germline.
Comment: In summary, the available evidence is currently insufficient to determine the role of this variant in disease. Therefore, it has been classified as a Variant of Uncertain Significance. Advanced modeling of protein sequence and biophysical properties (such as structural, functional, and spatial information, amino acid conservation, physicochemical variation, residue mobility, and thermodynamic stability) performed at Invitae indicates that this missense variant is expected to disrupt RAD50 protein function. ClinVar contains an entry for this variant (Variation ID: 661235). This variant has not been reported in the literature in individuals affected with RAD50-related conditions. This variant is not present in population databases (gnomAD no frequency). This sequence change replaces glutamine, which is neutral and polar, with arginine, which is basic and polar, at codon 1205 of the RAD50 protein (p.Gln1205Arg).

Literature cited by the submitters: PubMed 36982687 (cited by Quest Diagnostics Nichols Institute San Juan Capistrano); PubMed 14698290 (cited by Quest Diagnostics Nichols Institute San Juan Capistrano).